The following is an entry in ClinVar:

ClinVar aggregate classification (germline): Pathogenic (1 of 4 stars; one submission).

Conditions:
Hereditary cancer-predisposing syndrome. Also called: Neoplastic Syndromes, Hereditary; Tumor predisposition; Hereditary Cancer Syndrome; Hereditary neoplastic syndrome. Identifiers: Orphanet 140162, MedGen C0027672, MeSH D009386, MONDO:0015356.

Submission:

Ambry Genetics
Classification: Pathogenic for Hereditary cancer-predisposing syndrome. Last evaluated: 2022-08-02. Review status: criteria provided, single submitter. Criteria: Ambry Variant Classification Scheme 2023. Collection method: clinical testing. Allele origin: germline.
Comment: The c.3589delA pathogenic mutation, located in coding exon 7 of the MSH6 gene, results from a deletion of one nucleotide at nucleotide position 3589, causing a translational frameshift with a predicted alternate stop codon (p.T1197Lfs*19). This alteration is expected to result in loss of function by premature protein truncation or nonsense-mediated mRNA decay. As such, this alteration is interpreted as a disease-causing mutation.

NM_000179.3(MSH6):c.3589del (p.Thr1197fs)

Gene: MSH6 (mutS homolog 6; plus strand). Cytogenetic location: 2p16.3.
Variant type: Deletion.
Coding change: c.3589del on transcript NM_000179.3 (MANE Select); coding-DNA position 3589, one base deleted (A; older notation c.3589delA).
Protein change: p.Thr1197fs; shifts the reading frame from threonine 1197.
Molecular consequence: frameshift variant.
Genome position (GRCh38, 1-based): chr2:47,805,650, A deleted; the last of 3 consecutive A bases (chr2:47,805,648-47,805,650); deleting any one gives the same sequence. VCF-style (leftmost placement, unchanged base first): chr2-47805647-GA-G. GRCh37 (hg19) VCF-style: chr2-48032786-GA-G.
Other names: c.3199del, p.Thr1067fs (NM_001281492.2); c.2683del, p.Thr895fs (NM_001281493.2, NM_001281494.2); c.3685delA, p.Thr1229Leufs (NM_001406795.1, NM_001406802.1); c.3589delA, p.Thr1197Leufs (NM_001406796.1, NM_001406800.1, NM_001406808.1 and 1 more transcripts); c.3292delA, p.Thr1098Leufs (NM_001406797.1, NM_001406801.1, NM_001406805.1 and 10 more transcripts); c.3415delA, p.Thr1139Leufs (NM_001406798.1); c.3064delA, p.Thr1022Leufs (NM_001406799.1, NM_001406806.1, NM_001406807.1); c.2725delA, p.Thr909Leufs (NM_001406803.1); and 8 more; short protein forms T1197fs, T895fs, T1067fs.
Identifiers: ClinVar variation 1732966 (VCV001732966.2), dbSNP rs2530822943, ClinGen allele CA2580067240.
Genomic context (GRCh38, chr2:47,805,647, plus strand): 5'-AGTATTCATTTGTGATTTTTTTTTTTTTAAGGTGAAAGTACATTTTTTGTTGAATTAAGT[GA>G]AACTGCCAGCATACTCATGCATGCAACAGCACATTCTCTGGTGCTTGTGGATGAATTAGG-3'